The following is an entry in ClinVar:

ClinVar aggregate classification (germline): Benign/Likely benign. Review status: criteria provided, multiple submitters, no conflicts (2 of 4 stars). 3 submissions from 3 submitters: Benign (1); Likely benign (2). Last evaluated 2026-01-14.

Conditions:
Diabetes insipidus, nephrogenic, autosomal (NDI2). Also called: Diabetes insipidus, nephrogenic, 2, autosomal; Nephrogenic Diabetes Insipidus, Type II. Identifiers: Orphanet 223, MedGen C1563706, MONDO:0007451, OMIM 125800.

Allele frequency attached by ClinVar (database versions not stated): gnomAD below 0.00001 and 0.00012; gnomAD exomes 0.00017 and 0.00033; ExAC 0.00047; 1000 Genomes Project 30x 0.00094; 1000 Genomes Project 0.00120.
gnomAD v4.1: 259 of 1,612,216 alleles (0.016%); highest among the groups gnomAD compares: South Asian, 0.28%; 6 homozygotes.

Submissions (3):

Labcorp Genetics (formerly Invitae), Labcorp
Classification: Benign. Last evaluated: 2026-01-14. Review status: criteria provided, single submitter. Criteria: Invitae Variant Classification Sherloc (09022015). Collection method: clinical testing. Allele origin: germline.

Fulgent Genetics
Classification: Likely benign for Diabetes insipidus, nephrogenic, autosomal. Last evaluated: 2021-11-29. Review status: criteria provided, single submitter. Criteria: ACMG Guidelines, 2015. Collection method: clinical testing. Allele origin: unknown.

Illumina Laboratory Services, Illumina
Classification: Likely benign for Diabetes insipidus, nephrogenic, autosomal. Last evaluated: 2018-01-13. Review status: criteria provided, single submitter. Criteria: ICSL Variant Classification Criteria 13 December 2019. Collection method: clinical testing. Allele origin: germline.
Comment: This variant was observed in the ICSL laboratory as part of a predisposition screen in an ostensibly healthy population. It had not been previously curated by ICSL or reported in the Human Gene Mutation Database (HGMD: prior to June 1st, 2018), and was therefore a candidate for classification through an automated scoring system. Utilizing variant allele frequency, disease prevalence and penetrance estimates, and inheritance mode, an automated score was calculated to assess if this variant is too frequent to cause the disease. Based on the score and internal cut-off values, a variant classified as likely benign is not then subjected to further curation. The score for this variant resulted in a classification of likely benign for this disease.

NM_000486.6(AQP2):c.606+14C>T

Genes: AQP2 (aquaporin 2; plus strand), AQP5-AS1 (AQP5 and AQP2 antisense RNA 2; minus strand). Cytogenetic location: 12q13.12.
Variant type: single nucleotide variant.
Coding change: c.606+14C>T on transcript NM_000486.6 (MANE Select); 14 bases into the intron after coding-DNA position 606, C replaced by T.
Molecular consequence: intron variant.
Genome position (GRCh38, 1-based): chr12:49,954,724, C>T. VCF-style: chr12-49954724-C-T. GRCh37 (hg19) VCF-style: chr12-50348507-C-T.
Identifiers: ClinVar variation 883363 (VCV000883363.8), dbSNP rs138177134, ClinGen allele CA6559301.
Genomic context (GRCh38, chr12:49,954,724, plus strand): 5'-GCTCCCTGGCTCCAGCTGTCGTCACTGGCAAATTTGATGACCACTGGGTAATGGCTGAAA[C>T]CCCCTGCCCTCCCCTTCTCTAGAAACCCATTTTAGAGGGAGAACAAGAGCTGGAATAGCA-3'